The following is an entry in ClinVar:

NM_203446.3(SYNJ1):c.786G>T (p.Leu262Phe)

Gene: SYNJ1 (synaptojanin 1; minus strand). Cytogenetic location: 21q22.11.
Variant type: single nucleotide variant.
Coding change: c.786G>T on transcript NM_203446.3 (MANE Select); coding-DNA position 786, G replaced by T.
Protein change: p.Leu262Phe; replaces leucine 262 with phenylalanine.
Molecular consequence: missense variant.
Genome position (GRCh38, 1-based): chr21:32,694,231, C>A on the plus strand (G>T on the coding strand, the complement: SYNJ1 is on the minus strand). VCF-style: chr21-32694231-C-A. GRCh37 (hg19) VCF-style: chr21-34066541-C-A.
Other names: c.786G>T, p.Leu262Phe (NM_001160302.2, NM_001160306.2); c.903G>T, p.Leu301Phe (NM_003895.4); short protein forms L301F, L262F.
Identifiers: ClinVar variation 1422568 (VCV001422568.8), dbSNP rs2146165594, ClinGen allele CA410097285.

ClinVar aggregate classification (germline): Uncertain significance (1 of 4 stars; one submission).

Conditions:
Developmental and epileptic encephalopathy, 53. Also called: Epileptic encephalopathy, early infantile, 53. Identifiers: MedGen C4479313, MONDO:0033362, OMIM 617389.
Early-onset Parkinson disease 20. Also called: PARKINSON DISEASE 20, AUTOSOMAL RECESSIVE EARLY-ONSET. Identifiers: Orphanet 391411, MedGen C3809824, MONDO:0014233, OMIM 615530.

Allele frequency attached by ClinVar (database versions not stated): gnomAD exomes below 0.00001.
gnomAD v4.1: 1 of 1,532,710 alleles (0.000065%); highest among the groups gnomAD compares: South Asian, 0.0013%; no homozygotes.

Submission:

Labcorp Genetics (formerly Invitae), Labcorp
Classification: Uncertain significance for Developmental and epileptic encephalopathy, 53; Early-onset Parkinson disease 20. Last evaluated: 2021-04-18. Review status: criteria provided, single submitter. Criteria: Invitae Variant Classification Sherloc (09022015). Collection method: clinical testing. Allele origin: germline.
Comment: Algorithms developed to predict the effect of missense changes on protein structure and function are either unavailable or do not agree on the potential impact of this missense change (SIFT: "Tolerated"; PolyPhen-2: "Probably Damaging"; Align-GVGD: "Class C0"). This variant has not been reported in the literature in individuals with SYNJ1-related conditions. This variant is not present in population databases (ExAC no frequency). This sequence change replaces leucine with phenylalanine at codon 301 of the SYNJ1 protein (p.Leu301Phe). The leucine residue is moderately conserved and there is a small physicochemical difference between leucine and phenylalanine. In summary, the available evidence is currently insufficient to determine the role of this variant in disease. Therefore, it has been classified as a Variant of Uncertain Significance.